The following is an entry in ClinVar:

ClinVar aggregate classification (germline): Uncertain significance. Review status: criteria provided, multiple submitters, no conflicts (2 of 4 stars). 3 submissions from 3 submitters: Uncertain significance (3). Last evaluated 2024-06-26.

Conditions:
Hereditary cancer-predisposing syndrome. Also called: Neoplastic Syndromes, Hereditary; Tumor predisposition; Hereditary Cancer Syndrome; Hereditary neoplastic syndrome. Identifiers: Orphanet 140162, MedGen C0027672, MeSH D009386, MONDO:0015356.
Rhabdoid tumor predisposition syndrome 2 (RTPS2). Identifiers: Orphanet 231108, Orphanet 69077, MedGen C2750074, MONDO:0013224, OMIM 613325.
Intellectual disability, autosomal dominant 16 (CSS4). Also called: COFFIN-SIRIS SYNDROME 4. Identifiers: Orphanet 1465, MedGen C3553249, MONDO:0013821, OMIM 614609.

Submissions (3):

Ambry Genetics
Classification: Uncertain significance for Hereditary cancer-predisposing syndrome. Last evaluated: 2024-06-26. Review status: criteria provided, single submitter. Criteria: Ambry Variant Classification Scheme 2023. Collection method: clinical testing. Allele origin: germline.
Comment: The p.M260I variant (also known as c.780G>A), located in coding exon 4 of the SMARCA4 gene, results from a G to A substitution at nucleotide position 780. The methionine at codon 260 is replaced by isoleucine, an amino acid with highly similar properties. This amino acid position is well conserved in available vertebrate species. In addition, the in silico prediction for this alteration is inconclusive. Based on the available evidence, the clinical significance of this variant remains unclear.

Genome-Nilou Lab
Classification: Uncertain significance for Intellectual disability, autosomal dominant 16. Last evaluated: 2021-07-15. Review status: criteria provided, single submitter. Criteria: ACMG Guidelines, 2015. Collection method: clinical testing. Allele origin: germline. Affected: no.

Labcorp Genetics (formerly Invitae), Labcorp
Classification: Uncertain significance for Rhabdoid tumor predisposition syndrome 2. Last evaluated: 2018-12-24. Review status: criteria provided, single submitter. Criteria: Invitae Variant Classification Sherloc (09022015). Collection method: clinical testing. Allele origin: germline.
Comment: In summary, the available evidence is currently insufficient to determine the role of this variant in disease. Therefore, it has been classified as a Variant of Uncertain Significance. Algorithms developed to predict the effect of missense changes on protein structure and function are either unavailable or do not agree on the potential impact of this missense change (SIFT: "Deleterious"; PolyPhen-2: "Benign"; Align-GVGD: "Class C0"). This variant has not been reported in the literature in individuals with SMARCA4-related conditions. This variant is not present in population databases (ExAC no frequency). This sequence change replaces methionine with isoleucine at codon 260 of the SMARCA4 protein (p.Met260Ile). The methionine residue is highly conserved and there is a small physicochemical difference between methionine and isoleucine.

NM_003072.5(SMARCA4):c.780G>A (p.Met260Ile)

Gene: SMARCA4 (SWI/SNF related BAF chromatin remodeling complex subunit ATPase 4; plus strand). Cytogenetic location: 19p13.2.
Variant type: single nucleotide variant.
Coding change: c.780G>A on transcript NM_003072.5 (MANE Select); coding-DNA position 780, G replaced by A.
Protein change: p.Met260Ile; replaces methionine 260 with isoleucine.
Molecular consequence: missense variant. On other transcripts: non-coding transcript variant (1).
Genome position (GRCh38, 1-based): chr19:10,986,924, G>A. VCF-style: chr19-10986924-G-A. GRCh37 (hg19) VCF-style: chr19-11097600-G-A.
Other names: c.780G>A, p.Met260Ile (NM_001128844.3, NM_001128845.2, NM_001128846.2 and 5 more transcripts); short protein forms M260I.
Identifiers: ClinVar variation 653054 (VCV000653054.16), dbSNP rs753962571, ClinGen allele CA404057886.